The following is an entry in ClinVar:

NM_004446.3(EPRS1):c.884C>A (p.Pro295His)

Gene: EPRS1 (glutamyl-prolyl-tRNA synthetase 1; minus strand). Cytogenetic location: 1q41.
Variant type: single nucleotide variant.
Coding change: c.884C>A on transcript NM_004446.3 (MANE Select); coding-DNA position 884, C replaced by A.
Protein change: p.Pro295His; replaces proline 295 with histidine.
Molecular consequence: missense variant.
Genome position (GRCh38, 1-based): chr1:220,024,323, G>T on the plus strand (C>A on the coding strand, the complement: EPRS1 is on the minus strand). VCF-style: chr1-220024323-G-T. GRCh37 (hg19) VCF-style: chr1-220197665-G-T.
Other names: short protein forms P295H.
Identifiers: ClinVar variation 3089890 (VCV003089890.2), dbSNP rs369235750, ClinGen allele CA37521584.

ClinVar aggregate classification (germline): Uncertain significance. Review status: criteria provided, multiple submitters, no conflicts (2 of 4 stars). 2 submissions from 2 submitters: Uncertain significance (2). Last evaluated 2025-07-22.

Conditions:
Inborn genetic diseases. Identifiers: MedGen C0950123, MeSH D030342.

Allele frequency attached by ClinVar (database versions not stated): gnomAD 0.00003; gnomAD exomes 0.00003; TOPMed 0.00003; ESP Exome Variant Server 0.00008.
gnomAD v4.1: 53 of 1,613,148 alleles (0.0033%); highest among the groups gnomAD compares: Non-Finnish European, 0.0042%; no homozygotes.

Submissions (2):

Women's Health and Genetics/Laboratory Corporation of America, LabCorp
Classification: Uncertain significance. Last evaluated: 2025-07-22. Review status: criteria provided, single submitter. Criteria: LabCorp Variant Classification Summary - May 2015. Collection method: clinical testing. Allele origin: germline.
Comment: Variant summary: EPRS1 c.884C>A (p.Pro295His) results in a non-conservative amino acid change in the encoded protein sequence. Algorithms developed to predict the effect of missense changes on protein structure and function are either unavailable or do not agree on the potential impact of this missense change. The variant allele was found at a frequency of 7.1e-06 in 282236 control chromosomes. The available data on variant occurrences in the general population are insufficient to allow any conclusion about variant significance. To our knowledge, no occurrence of c.884C>A in individuals affected with Leukodystrophy, Hypomyelinating, 15 and no experimental evidence demonstrating its impact on protein function have been reported. ClinVar contains an entry for this variant (Variation ID: 3089890). Based on the evidence outlined above, the variant was classified as uncertain significance.

Ambry Genetics
Classification: Uncertain significance for Inborn genetic diseases. Last evaluated: 2023-12-17. Review status: criteria provided, single submitter. Criteria: Ambry Variant Classification Scheme 2023. Collection method: clinical testing. Allele origin: germline.